The following is an entry in ClinVar:

ClinVar aggregate classification (germline): Conflicting classifications of pathogenicity. Review status: criteria provided, conflicting classifications (1 of 4 stars). 2 submissions from 2 submitters: Uncertain significance (1); Likely benign (1). Last evaluated 2025-10-13.

Conditions:
Inborn genetic diseases. Identifiers: MedGen C0950123, MeSH D030342.
Fanconi anemia (FA). Also called: Fanconi's anemia. Identifiers: Orphanet 84, MedGen C0015625, MeSH D005199, MONDO:0019391.

Allele frequency attached by ClinVar (database versions not stated): gnomAD exomes 0.00001 and 0.00002; ExAC 0.00003.
gnomAD v4.1: 13 of 1,614,050 alleles (0.00081%); highest among the groups gnomAD compares: South Asian, 0.013%; 1 homozygote.

Submissions (2):

Labcorp Genetics (formerly Invitae), Labcorp
Classification: Likely benign for Fanconi anemia. Last evaluated: 2025-10-13. Review status: criteria provided, single submitter. Criteria: Invitae Variant Classification Sherloc (09022015). Collection method: clinical testing. Allele origin: germline.

Ambry Genetics
Classification: Uncertain significance for Inborn genetic diseases. Last evaluated: 2024-11-20. Review status: criteria provided, single submitter. Criteria: Ambry Variant Classification Scheme 2023. Collection method: clinical testing. Allele origin: germline.
Comment: The p.A223T variant (also known as c.667G>A), located in coding exon 7 of the FANCA gene, results from a G to A substitution at nucleotide position 667. The alanine at codon 223 is replaced by threonine, an amino acid with similar properties. This amino acid position is conserved. In addition, this alteration is predicted to be tolerated by in silico analysis. Based on the available evidence, the clinical significance of this variant remains unclear.

NM_000135.4(FANCA):c.667G>A (p.Ala223Thr)

Gene: FANCA (FA complementation group A; minus strand). Cytogenetic location: 16q24.3.
Variant type: single nucleotide variant.
Coding change: c.667G>A on transcript NM_000135.4 (MANE Select); coding-DNA position 667, G replaced by A.
Protein change: p.Ala223Thr; replaces alanine 223 with threonine.
Molecular consequence: missense variant.
Genome position (GRCh38, 1-based): chr16:89,805,322, C>T on the plus strand (G>A on the coding strand, the complement: FANCA is on the minus strand). VCF-style: chr16-89805322-C-T. GRCh37 (hg19) VCF-style: chr16-89871730-C-T.
Other names: c.667G>A, p.Ala223Thr (NM_001018112.3, NM_001286167.3); c.571G>A, p.Ala191Thr (NM_001351830.2); short protein forms A223T, A191T.
Identifiers: ClinVar variation 945903 (VCV000945903.7), dbSNP rs771195871, ClinGen allele CA8252862.
Genomic context (GRCh38, chr16:89,805,322, plus strand): 5'-ATCTTGTCATGAACGCACCAGAAAGCATGGCCCTGGCGACGTCAGCATGCTGGCAGGATG[C>T]TTCCATCTGTTCACAAAGGCAGCACAGATTCCTGAAGAGCCACGATCCCACAGCATGCAT-3'
Protein context (NP_000126.2, residues 213-233): NLCCLCEQME[Ala223Thr]SCQHADVARA